The following is an entry in ClinVar:

ClinVar aggregate classification (germline): Likely benign. Review status: criteria provided, single submitter (1 of 4 stars). 2 submissions from 2 submitters: Likely benign (1). 1 of the submissions does not count toward it. Last evaluated 2025-08-19.

Conditions:
MTOR-related disorder. Also called: MTOR-related condition.

Allele frequency attached by ClinVar (database versions not stated): ExAC 0.00001; gnomAD exomes 0.00001 and below 0.00001; TOPMed below 0.00001.
gnomAD v4.1: 3 of 1,612,922 alleles (0.00019%); highest among the groups gnomAD compares: Admixed American, 0.0033%; no homozygotes.

Submissions (2):

Labcorp Genetics (formerly Invitae), Labcorp
Classification: Likely benign. Last evaluated: 2025-08-19. Review status: criteria provided, single submitter. Criteria: Invitae Variant Classification Sherloc (09022015). Collection method: clinical testing. Allele origin: germline.

PreventionGenetics, part of Exact Sciences
Classification: Likely benign for MTOR-related condition. Last evaluated: 2021-04-27. Review status: no assertion criteria provided. Collection method: clinical testing. Allele origin: germline. Not counted in ClinVar's aggregate classification.
Comment: This variant is classified as likely benign based on ACMG/AMP sequence variant interpretation guidelines (Richards et al. 2015 PMID: 25741868, with internal and published modifications).

NM_004958.4(MTOR):c.3261C>T (p.Ser1087=)

Gene: MTOR (mechanistic target of rapamycin kinase; minus strand). Cytogenetic location: 1p36.22.
Variant type: single nucleotide variant.
Coding change: c.3261C>T on transcript NM_004958.4 (MANE Select); coding-DNA position 3261, C replaced by T.
Protein change: p.Ser1087=; no amino-acid change (serine 1087 retained).
Molecular consequence: synonymous variant.
Genome position (GRCh38, 1-based): chr1:11,213,423, G>A on the plus strand (C>T on the coding strand, the complement: MTOR is on the minus strand). VCF-style: chr1-11213423-G-A. GRCh37 (hg19) VCF-style: chr1-11273480-G-A.
Other names: c.3261C>T, p.Ser1087= (NM_001386500.1); c.2013C>T, p.Ser671= (NM_001386501.1); c.3261C>T (NM_004958.3).
Identifiers: ClinVar variation 1659181 (VCV001659181.10), dbSNP rs773252607, ClinGen allele CA590280.